The following is an entry in ClinVar:

NM_014795.4(ZEB2):c.150C>T (p.Asp50=)

Gene: ZEB2 (zinc finger E-box binding homeobox 2; minus strand). Cytogenetic location: 2q22.3.
Variant type: single nucleotide variant.
Coding change: c.150C>T on transcript NM_014795.4 (MANE Select); coding-DNA position 150, C replaced by T.
Protein change: p.Asp50=; no amino-acid change (aspartic acid 50 retained).
Molecular consequence: synonymous variant.
Genome position (GRCh38, 1-based): chr2:144,429,950, G>A on the plus strand (C>T on the coding strand, the complement: ZEB2 is on the minus strand). VCF-style: chr2-144429950-G-A. GRCh37 (hg19) VCF-style: chr2-145187517-G-A.
Other names: p.D50D:GAC>GAT; c.150C>T, p.Asp50= (NM_001171653.2).
Identifiers: ClinVar variation 137955 (VCV000137955.13), dbSNP rs587780996, ClinGen allele CA291682.

ClinVar aggregate classification (germline): Benign/Likely benign. Review status: criteria provided, multiple submitters, no conflicts (2 of 4 stars). 4 submissions from 4 submitters: Benign (2); Likely benign (2). Last evaluated 2025-11-02.

Conditions:
Inborn genetic diseases. Identifiers: MedGen C0950123, MeSH D030342.
Mowat-Wilson syndrome (MOWS). Also called: Classic Mowat-Wilson Syndrome. Identifiers: Orphanet 2152, MedGen C1856113, MONDO:0009341, OMIM 235730.

Allele frequency attached by ClinVar (database versions not stated): gnomAD 0.00001; gnomAD exomes 0.00001 and 0.00002; ExAC 0.00002; TOPMed 0.00002.
gnomAD v4.1: 25 of 1,613,690 alleles (0.0015%); highest among the groups gnomAD compares: Middle Eastern, 0.049%; no homozygotes.

Submissions (4):

Labcorp Genetics (formerly Invitae), Labcorp
Classification: Likely benign for Mowat-Wilson syndrome. Last evaluated: 2025-11-02. Review status: criteria provided, single submitter. Criteria: Invitae Variant Classification Sherloc (09022015). Collection method: clinical testing. Allele origin: germline.

Genome-Nilou Lab
Classification: Benign for Mowat-Wilson syndrome. Last evaluated: 2021-11-07. Review status: criteria provided, single submitter. Criteria: ACMG Guidelines, 2015. Collection method: clinical testing. Allele origin: germline. Affected: no.

Ambry Genetics
Classification: Likely benign for Inborn genetic diseases. Last evaluated: 2019-10-17. Review status: criteria provided, single submitter. Criteria: Ambry Variant Classification Scheme 2023. Collection method: clinical testing. Allele origin: germline.

GeneDx
Classification: Benign. Last evaluated: 2013-09-19. Review status: criteria provided, single submitter. Criteria: GeneDx Variant Classification (06012015). Collection method: clinical testing. Allele origin: germline. Affected: yes.
Comment: This variant is considered likely benign or benign based on one or more of the following criteria: it is a conservative change, it occurs at a poorly conserved position in the protein, it is predicted to be benign by multiple in silico algorithms, and/or has population frequency not consistent with disease.